The following is an entry in ClinVar:

NM_018249.6(CDK5RAP2):c.5126T>C (p.Val1709Ala)

Gene: CDK5RAP2 (CDK5 regulatory subunit associated protein 2; minus strand). Cytogenetic location: 9q33.2.
Variant type: single nucleotide variant.
Coding change: c.5126T>C on transcript NM_018249.6 (MANE Select); coding-DNA position 5126, T replaced by C.
Protein change: p.Val1709Ala; replaces valine 1709 with alanine.
Molecular consequence: missense variant. On other transcripts: non-coding transcript variant (5).
Genome position (GRCh38, 1-based): chr9:120,402,987, A>G on the plus strand (T>C on the coding strand, the complement: CDK5RAP2 is on the minus strand). VCF-style: chr9-120402987-A-G. GRCh37 (hg19) VCF-style: chr9-123165265-A-G.
Other names: c.5126T>C (NM_018249.4); c.4889T>C, p.Val1630Ala (NM_001011649.3); c.4436T>C, p.Val1479Ala (NM_001272039.2); c.5027T>C, p.Val1676Ala (NM_001410992.1); c.5030T>C, p.Val1677Ala (NM_001410993.1); c.5123T>C, p.Val1708Ala (NM_001410994.1); short protein forms V1677A, V1708A, V1630A, V1676A, V1709A, V1479A.
Identifiers: ClinVar variation 2189968 (VCV002189968.3), dbSNP rs144886935, ClinGen allele CA5213362.

ClinVar aggregate classification (germline): Uncertain significance. Review status: criteria provided, multiple submitters, no conflicts (2 of 4 stars). 2 submissions from 2 submitters: Uncertain significance (2). Last evaluated 2025-07-15.

Conditions:
Inborn genetic diseases. Identifiers: MedGen C0950123, MeSH D030342.

Allele frequency attached by ClinVar (database versions not stated): gnomAD exomes 0.00007; TOPMed 0.00007; ExAC 0.00002; gnomAD 0.00005; ESP Exome Variant Server 0.00023.
gnomAD v4.1: 112 of 1,614,078 alleles (0.0069%); highest among the groups gnomAD compares: Non-Finnish European, 0.0089%; no homozygotes.

Submissions (2):

Ambry Genetics
Classification: Uncertain significance for Inborn genetic diseases. Last evaluated: 2025-07-15. Review status: criteria provided, single submitter. Criteria: Ambry Variant Classification Scheme 2023. Collection method: clinical testing. Allele origin: germline.

Labcorp Genetics (formerly Invitae), Labcorp
Classification: Uncertain significance. Last evaluated: 2022-06-26. Review status: criteria provided, single submitter. Criteria: Invitae Variant Classification Sherloc (09022015). Collection method: clinical testing. Allele origin: germline.
Comment: This sequence change replaces valine, which is neutral and non-polar, with alanine, which is neutral and non-polar, at codon 1709 of the CDK5RAP2 protein (p.Val1709Ala). This variant is present in population databases (rs144886935, gnomAD 0.008%). This variant has not been reported in the literature in individuals affected with CDK5RAP2-related conditions. Algorithms developed to predict the effect of missense changes on protein structure and function output the following: SIFT: "Tolerated"; PolyPhen-2: "Benign"; Align-GVGD: "Class C0". The alanine amino acid residue is found in multiple mammalian species, which suggests that this missense change does not adversely affect protein function. In summary, the available evidence is currently insufficient to determine the role of this variant in disease. Therefore, it has been classified as a Variant of Uncertain Significance.